The following is an entry in ClinVar:

ClinVar aggregate classification (germline): Uncertain significance. Review status: criteria provided, multiple submitters, no conflicts (2 of 4 stars). 2 submissions from 2 submitters: Uncertain significance (2). Last evaluated 2022-07-20.

Conditions:
Epidermodysplasia verruciformis. Identifiers: Orphanet 302, MedGen C0014522, MONDO:0009176.
Inborn genetic diseases. Identifiers: MedGen C0950123, MeSH D030342.

Allele frequency attached by ClinVar (database versions not stated): ESP Exome Variant Server 0.00024; TOPMed 0.00023.

Submissions (2):

Labcorp Genetics (formerly Invitae), Labcorp
Classification: Uncertain significance for Epidermodysplasia verruciformis. Last evaluated: 2022-07-20. Review status: criteria provided, single submitter. Criteria: Invitae Variant Classification Sherloc (09022015). Collection method: clinical testing. Allele origin: germline.
Comment: This sequence change replaces arginine, which is basic and polar, with tryptophan, which is neutral and slightly polar, at codon 114 of the TMC6 protein (p.Arg114Trp). This variant is present in population databases (rs201014463, gnomAD 0.04%). This variant has not been reported in the literature in individuals affected with TMC6-related conditions. ClinVar contains an entry for this variant (Variation ID: 955610). Algorithms developed to predict the effect of missense changes on protein structure and function are either unavailable or do not agree on the potential impact of this missense change (SIFT: "Not Available"; PolyPhen-2: "Benign"; Align-GVGD: "Not Available"). In summary, the available evidence is currently insufficient to determine the role of this variant in disease. Therefore, it has been classified as a Variant of Uncertain Significance.

Ambry Genetics
Classification: Uncertain significance for Inborn genetic diseases. Last evaluated: 2021-08-16. Review status: criteria provided, single submitter. Criteria: Ambry Variant Classification Scheme 2023. Collection method: clinical testing. Allele origin: germline.

NM_001127198.5(TMC6):c.340C>T (p.Arg114Trp)

Gene: TMC6 (transmembrane channel like 6; minus strand). Cytogenetic location: 17q25.3.
Variant type: single nucleotide variant.
Coding change: c.340C>T on transcript NM_001127198.5 (MANE Select); coding-DNA position 340, C replaced by T.
Protein change: p.Arg114Trp; replaces arginine 114 with tryptophan.
Molecular consequence: missense variant.
Genome position (GRCh38, 1-based): chr17:78,125,816, G>A on the plus strand (C>T on the coding strand, the complement: TMC6 is on the minus strand). VCF-style: chr17-78125816-G-A. GRCh37 (hg19) VCF-style: chr17-76121897-G-A.
Other names: c.340C>T, p.Arg114Trp (NM_001321185.1, NM_001374593.1, NM_001374594.1 and 4 more transcripts); c.340C>T (NM_007267.6); short protein forms R114W.
Identifiers: ClinVar variation 955610 (VCV000955610.8), dbSNP rs201014463, ClinGen allele CA8796157.